The following is an entry in ClinVar:

ClinVar aggregate classification (germline): Benign/Likely benign. Review status: criteria provided, multiple submitters, no conflicts (2 of 4 stars). 6 submissions from 6 submitters: Benign (2); Likely benign (3). 1 of the submissions does not count toward it. Last evaluated 2024-11-27.

Conditions:
Bile duct cancer. Identifiers: MedGen CN296287, MONDO:0003059.
Polycystic kidney disease, adult type (PKD1). Also called: POLYCYSTIC KIDNEY DISEASE 1 WITH OR WITHOUT POLYCYSTIC LIVER DISEASE; Polycystic Kidney Disease 1, Autosomal Dominant; Polycystic kidney disease 1; Polycystic kidney disease 1, severe; Polycystic Kidney, Autosomal Dominant; POLYCYSTIC KIDNEY DISEASE, ADULT, TYPE I. Identifiers: MedGen C3149841, MONDO:0008263, OMIM 173900.

Allele frequency attached by ClinVar (database versions not stated): 1000 Genomes Project 30x 0.00078; 1000 Genomes Project 0.00100; gnomAD 0.00102; TOPMed 0.00167; ESP Exome Variant Server 0.00201.
gnomAD v4.1: 3,600 of 1,609,970 alleles (0.22%); highest among the groups gnomAD compares: Non-Finnish European, 0.28%; 9 homozygotes.

Submissions (6):

Blueprint Genetics
Classification: Likely benign. Last evaluated: 2024-11-27. Review status: criteria provided, single submitter. Criteria: ACMG Guidelines, 2015. Collection method: clinical testing. Allele origin: germline.

CeGaT Center for Human Genetics Tuebingen
Classification: Benign. Last evaluated: 2022-08-01. Review status: criteria provided, single submitter. Criteria: CeGaT Center For Human Genetics Tuebingen Variant Classification Criteria Version 2. Collection method: clinical testing. Allele origin: germline. Affected: yes. Observed: 2 variant alleles.
Comment: PKD1: BS1, BS2

GeneDx
Classification: Likely benign. Last evaluated: 2021-05-25. Review status: criteria provided, single submitter. Criteria: GeneDx Variant Classification Process June 2021. Collection method: clinical testing. Allele origin: germline. Affected: yes.
Comment: This variant is associated with the following publications: (PMID: 12007219, 16430766, 17574468)

ARUP Laboratories, Molecular Genetics and Genomics, ARUP Laboratories
Classification: Benign for Polycystic kidney disease, adult type. Last evaluated: 2019-03-24. Review status: criteria provided, single submitter. Criteria: ARUP Molecular Germline Variant Investigation Process. Collection method: clinical testing. Allele origin: germline.

PreventionGenetics, part of Exact Sciences
Classification: Likely benign. Review status: criteria provided, single submitter. Criteria: ACMG Guidelines, 2015. Collection method: clinical testing. Allele origin: germline.

Department of Pathology and Laboratory Medicine, Sinai Health System
Classification: Benign for Bile duct cancer. Review status: no assertion criteria provided. Collection method: clinical testing. Allele origin: unknown. Affected: yes. Observed: 1 variant allele. Study: The Canadian Open Genetics Repository (COGR). Not counted in ClinVar's aggregate classification.
Comment: The variant was also identified in dbSNP (ID: rs145850037) as â€šÃ„ÃºNAâ€šÃ„Ã¹, and the ADPKD Mutation Database (classification likely neutral) and in the ClinVar database classified as Likely Benign by Prevention Genetics, but was not found in PKD1-LOVD, Clinvitae, GeneInsight COGR, MutDB and PKD1-LOVD 3.0. This variant was identified in the 1000 Genomes Project in 5 of 5000 chromosomes (frequency: 0.001), NHLBI GO Exome Sequencing Project in 21 of 8552 European American alleles (frequency: 0.0025) and in 5 of 4352 African American alleles (frequency: 0.0011), the Exome Aggregation Consortium database (August 8, 2016) in 118 of 115912 chromosomes (freq. 0.0010)) in the following populations: European (Non-Finnish) in 95 of 63278 chromosomes (freq. 0.0015), African in 11 of 8940 chromosomes (freq. 0.0012), Latino in 9 of 11392 chromosomes (freq. 0.00079), South Asian in 3 of 16460 chromosomes (freq. 00018), but was not seen in East Asian, Finnish, or Other populations; increasing the likelihood this could be a low frequency benign variant. The p.Ser2766Ser variant is not expected to have clinical significance because it does not result in a change of amino acid and is not located in a known consensus splice site. In addition, in silico or computational prediction software programs (SpliceSiteFinder, MaxEntScan, NNSPLICE, GeneSplicer, HumanSpliceFinder) do not predict a difference in splicing. In summary, based on the above information, this variant meets our laboratory's criteria to be classified as benign.

Literature cited by the submitters: PubMed 17574468 (cited by Department of Pathology and Laboratory Medicine, Sinai Health System); PubMed 12007219 (cited by Department of Pathology and Laboratory Medicine, Sinai Health System); PubMed 16430766 (cited by Department of Pathology and Laboratory Medicine, Sinai Health System).

NM_001009944.3(PKD1):c.8298C>T (p.Ser2766=)

Gene: PKD1 (polycystin 1, transient receptor potential channel interacting; minus strand). Cytogenetic location: 16p13.3.
Variant type: single nucleotide variant.
Coding change: c.8298C>T on transcript NM_001009944.3 (MANE Select); coding-DNA position 8298, C replaced by T.
Protein change: p.Ser2766=; no amino-acid change (serine 2766 retained).
Molecular consequence: synonymous variant.
Genome position (GRCh38, 1-based): chr16:2,103,759, G>A on the plus strand (C>T on the coding strand, the complement: PKD1 is on the minus strand). VCF-style: chr16-2103759-G-A. GRCh37 (hg19) VCF-style: chr16-2153760-G-A.
Other names: c.8298C>T, p.Ser2766= (NM_000296.4).
Identifiers: ClinVar variation 257017 (VCV000257017.39), dbSNP rs145850037, ClinGen allele CA7830571.